The following is an entry in ClinVar:

ClinVar aggregate classification (germline): Uncertain significance. Review status: criteria provided, multiple submitters, no conflicts (2 of 4 stars). 2 submissions from 2 submitters: Uncertain significance (2). Last evaluated 2025-11-18.

Conditions:
Hereditary cancer-predisposing syndrome. Also called: Tumor predisposition; Hereditary neoplastic syndrome; Hereditary Cancer Syndrome; Neoplastic Syndromes, Hereditary. Identifiers: Orphanet 140162, MedGen C0027672, MeSH D009386, MONDO:0015356.
Retinoblastoma (RB1). Also called: RETINOBLASTOMA, SOMATIC. Identifiers: Orphanet 790, MedGen C0035335, MeSH D012175, MONDO:0008380, OMIM 180200, HP:0009919. Disease mechanism: loss of function. Inheritance: Both sporadic and heritable forms are tested..

Allele frequency attached by ClinVar (database versions not stated): gnomAD exomes below 0.00001.

Submissions (2):

Ambry Genetics
Classification: Uncertain significance for Hereditary cancer-predisposing syndrome. Last evaluated: 2025-11-18. Review status: criteria provided, single submitter. Criteria: Ambry Variant Classification Scheme 2023. Collection method: clinical testing. Allele origin: germline.
Comment: The p.E413A variant (also known as c.1238A>C), located in coding exon 13 of the RB1 gene, results from an A to C substitution at nucleotide position 1238. The glutamic acid at codon 413 is replaced by alanine, an amino acid with dissimilar properties. This amino acid position is conserved. In addition, this alteration is predicted to be tolerated by in silico analysis. Based on the available evidence, the clinical significance of this variant remains unclear.

Labcorp Genetics (formerly Invitae), Labcorp
Classification: Uncertain significance for Retinoblastoma. Last evaluated: 2023-12-27. Review status: criteria provided, single submitter. Criteria: Invitae Variant Classification Sherloc (09022015). Collection method: clinical testing. Allele origin: germline.
Comment: This sequence change replaces glutamic acid, which is acidic and polar, with alanine, which is neutral and non-polar, at codon 413 of the RB1 protein (p.Glu413Ala). This variant is present in population databases (no rsID available, gnomAD no frequency). This variant has not been reported in the literature in individuals affected with RB1-related conditions. ClinVar contains an entry for this variant (Variation ID: 1463463). Advanced modeling of protein sequence and biophysical properties (such as structural, functional, and spatial information, amino acid conservation, physicochemical variation, residue mobility, and thermodynamic stability) performed at Invitae indicates that this missense variant is not expected to disrupt RB1 protein function with a negative predictive value of 80%. In summary, the available evidence is currently insufficient to determine the role of this variant in disease. Therefore, it has been classified as a Variant of Uncertain Significance.

NM_000321.3(RB1):c.1238A>C (p.Glu413Ala)

Gene: RB1 (RB transcriptional corepressor 1; plus strand). Cytogenetic location: 13q14.2.
Variant type: single nucleotide variant.
Coding change: c.1238A>C on transcript NM_000321.3 (MANE Select); coding-DNA position 1238, A replaced by C.
Protein change: p.Glu413Ala; replaces glutamic acid 413 with alanine.
Molecular consequence: missense variant.
Genome position (GRCh38, 1-based): chr13:48,376,940, A>C. VCF-style: chr13-48376940-A-C. GRCh37 (hg19) VCF-style: chr13-48951076-A-C.
Other names: c.1238A>C (NM_000321.2); short protein forms E413A.
Identifiers: ClinVar variation 1463463 (VCV001463463.9), dbSNP rs1462517568, ClinGen allele CA388161980.
Genomic context (GRCh38, chr13:48,376,940, plus strand): 5'-GTATCCTCGACATTGATTTCTGTTTTTACCTCCTAAAGAACTGCACAGTGAATCCAAAAG[A>C]AAGTATACTGAAAAGAGTGAAGGATATAGGATACATCTTTAAAGAGAAATTTGCTAAAGC-3'
Protein context (NP_000312.2, residues 403-423): YFNNCTVNPK[Glu413Ala]SILKRVKDIG